The following is an entry in ClinVar:

NM_001278298.2(COL6A5):c.6488-8del

Gene: COL6A5 (collagen type VI alpha 5 chain; plus strand). Cytogenetic location: 3q22.1.
Variant type: Deletion.
Coding change: c.6488-8del on transcript NM_001278298.2 (MANE Select); 8 bases into the intron before coding-DNA position 6488, one base deleted (C; older notation c.6488-8delC).
Molecular consequence: intron variant.
Genome position (GRCh38, 1-based): chr3:130,443,468, C deleted. VCF-style (leftmost placement, unchanged base first): chr3-130443467-TC-T. GRCh37 (hg19) VCF-style: chr3-130162311-TC-T.
Other names: c.6488-8del (NM_153264.7).
Identifiers: ClinVar variation 4986148 (VCV004986148.1).

ClinVar aggregate classification (germline): Likely benign (1 of 4 stars; one submission).

Conditions:
COL6A5-related disorder. Also called: COL6A5-related condition.

Submission:

PreventionGenetics, part of Exact Sciences
Classification: Likely benign for COL6A5-related condition. Last evaluated: 2026-01-14. Review status: criteria provided, single submitter. Criteria: ACMG Guidelines, 2015. Collection method: clinical testing. Allele origin: germline.
Comment: This variant is classified as likely benign based on ACMG/AMP sequence variant interpretation guidelines (Richards et al. 2015 PMID: 25741868, with internal and published modifications).